The following is an entry in ClinVar:

NM_197968.4(ZMYM2):c.1233C>T (p.Asp411=)

Gene: ZMYM2 (zinc finger MYM-type containing 2; plus strand). Cytogenetic location: 13q12.11.
Variant type: single nucleotide variant.
Coding change: c.1233C>T on transcript NM_197968.4 (MANE Select); coding-DNA position 1233, C replaced by T.
Protein change: p.Asp411=; no amino-acid change (aspartic acid 411 retained).
Molecular consequence: synonymous variant. On other transcripts: non-coding transcript variant (1).
Genome position (GRCh38, 1-based): chr13:20,005,173, C>T. VCF-style: chr13-20005173-C-T. GRCh37 (hg19) VCF-style: chr13-20579313-C-T.
Other names: c.1233C>T (NM_197968.3); c.1233C>T, p.Asp411= (NM_001190964.4, NM_001190965.4, NM_001353157.2 and 5 more transcripts); c.1038C>T, p.Asp346= (NM_001353161.3); c.972C>T, p.Asp324= (NM_001353163.2).
Identifiers: ClinVar variation 784266 (VCV000784266.5), dbSNP rs116271560, ClinGen allele CA6903323.

ClinVar aggregate classification (germline): Benign. Review status: criteria provided, multiple submitters, no conflicts (2 of 4 stars). 2 submissions from 2 submitters: Benign (2). Last evaluated 2024-11-07.

Conditions:
ZMYM2-related disorder. Also called: ZMYM2-related condition.

Allele frequency attached by ClinVar (database versions not stated): gnomAD exomes 0.00055 and 0.00147; ExAC 0.00200; gnomAD 0.00587 and 0.00629; TOPMed 0.00660; 1000 Genomes Project 30x 0.00703; 1000 Genomes Project 0.00719; ESP Exome Variant Server 0.00747.
gnomAD v4.1: 1,738 of 1,593,742 alleles (0.11%); highest among the groups gnomAD compares: African/African-American, 2%; 14 homozygotes.

Submissions (2):

PreventionGenetics, part of Exact Sciences
Classification: Benign for ZMYM2-related condition. Last evaluated: 2024-11-07. Review status: criteria provided, single submitter. Criteria: ACMG Guidelines, 2015. Collection method: clinical testing. Allele origin: germline.
Comment: This variant is classified as benign based on ACMG/AMP sequence variant interpretation guidelines (Richards et al. 2015 PMID: 25741868, with internal and published modifications).

Labcorp Genetics (formerly Invitae), Labcorp
Classification: Benign. Last evaluated: 2019-12-31. Review status: criteria provided, single submitter. Criteria: Invitae Variant Classification Sherloc (09022015). Collection method: clinical testing. Allele origin: germline.